The following is an entry in ClinVar:

ClinVar aggregate classification (germline): Uncertain significance (1 of 4 stars; one submission).

Conditions:
Hereditary cancer-predisposing syndrome. Also called: Neoplastic Syndromes, Hereditary; Tumor predisposition; Hereditary neoplastic syndrome; Hereditary Cancer Syndrome. Identifiers: Orphanet 140162, MedGen C0027672, MeSH D009386, MONDO:0015356.

Submission:

Ambry Genetics
Classification: Uncertain significance for Hereditary cancer-predisposing syndrome. Last evaluated: 2026-07-14. Review status: criteria provided, single submitter. Criteria: Ambry Variant Classification Scheme 2023. Collection method: clinical testing. Allele origin: germline.
Comment: The p.E947D variant (also known as c.2841G>T), located in coding exon 22 of the POLD1 gene, results from a G to T substitution at nucleotide position 2841. The glutamic acid at codon 947 is replaced by aspartic acid, an amino acid with highly similar properties. This amino acid position is conserved. In addition, this alteration is predicted to be tolerated by in silico analysis. Based on the available evidence, the clinical significance of this variant remains unclear.

NM_002691.4(POLD1):c.2841G>T (p.Glu947Asp)

Gene: POLD1 (DNA polymerase delta 1, catalytic subunit; plus strand). Cytogenetic location: 19q13.33.
Variant type: single nucleotide variant.
Coding change: c.2841G>T on transcript NM_002691.4 (MANE Select); coding-DNA position 2841, G replaced by T.
Protein change: p.Glu947Asp; replaces glutamic acid 947 with aspartic acid.
Molecular consequence: missense variant. On other transcripts: non-coding transcript variant (1).
Genome position (GRCh38, 1-based): chr19:50,416,416, G>T. VCF-style: chr19-50416416-G-T. GRCh37 (hg19) VCF-style: chr19-50919673-G-T.
Other names: c.2841G>T, p.Glu947Asp (NM_001256849.1, NM_001438212.1, NM_001438213.1); c.2919G>T, p.Glu973Asp (NM_001308632.1); c.2769G>T, p.Glu923Asp (NM_001438210.1, NM_001438211.1); short protein forms E923D, E947D, E973D.
Identifiers: ClinVar variation 5026984 (VCV005026984.1).